The following is an entry in ClinVar:

NM_003055.3(SLC18A3):c.803C>A (p.Ala268Glu)

Genes: CHAT (choline O-acetyltransferase; plus strand), SLC18A3 (solute carrier family 18 member A3; plus strand). Cytogenetic location: 10q11.23.
Variant type: single nucleotide variant.
Coding change: c.803C>A on transcript NM_003055.3 (MANE Select); coding-DNA position 803, C replaced by A.
Protein change: p.Ala268Glu; replaces alanine 268 with glutamic acid.
Molecular consequence: missense variant. On other transcripts: intron variant (1).
Genome position (GRCh38, 1-based): chr10:49,611,543, C>A. VCF-style: chr10-49611543-C-A. GRCh37 (hg19) VCF-style: chr10-50819589-C-A.
Other names: c.-69+2344C>A (NM_020984.4); short protein forms A268E.
Identifiers: ClinVar variation 1522412 (VCV001522412.7), dbSNP rs752851633, ClinGen allele CA5496843.

ClinVar aggregate classification (germline): Uncertain significance. Review status: criteria provided, multiple submitters, no conflicts (2 of 4 stars). 2 submissions from 2 submitters: Uncertain significance (2). Last evaluated 2022-10-03.

Conditions:
Inborn genetic diseases. Identifiers: MedGen C0950123, MeSH D030342.

Allele frequency attached by ClinVar (database versions not stated): gnomAD exomes 0.00001; ExAC 0.00001; gnomAD 0.00001; TOPMed 0.00001.
gnomAD v4.1: 20 of 1,603,252 alleles (0.0012%); highest among the groups gnomAD compares: Non-Finnish European, 0.0014%; no homozygotes.

Submissions (2):

Labcorp Genetics (formerly Invitae), Labcorp
Classification: Uncertain significance. Last evaluated: 2022-10-03. Review status: criteria provided, single submitter. Criteria: Invitae Variant Classification Sherloc (09022015). Collection method: clinical testing. Allele origin: germline.
Comment: In summary, the available evidence is currently insufficient to determine the role of this variant in disease. Therefore, it has been classified as a Variant of Uncertain Significance. This variant has not been reported in the literature in individuals affected with SLC18A3-related conditions. ClinVar contains an entry for this variant (Variation ID: 1522412). Advanced modeling of protein sequence and biophysical properties (such as structural, functional, and spatial information, amino acid conservation, physicochemical variation, residue mobility, and thermodynamic stability) performed at Invitae indicates that this missense variant is not expected to disrupt SLC18A3 protein function. This sequence change replaces alanine, which is neutral and non-polar, with glutamic acid, which is acidic and polar, at codon 268 of the SLC18A3 protein (p.Ala268Glu). This variant is present in population databases (rs752851633, gnomAD 0.002%).

Ambry Genetics
Classification: Uncertain significance for Inborn genetic diseases. Last evaluated: 2021-07-15. Review status: criteria provided, single submitter. Criteria: Ambry Variant Classification Scheme 2023. Collection method: clinical testing. Allele origin: germline.